The following is an entry in ClinVar:

NM_000059.4(BRCA2):c.4978C>T (p.Pro1660Ser)

Gene: BRCA2 (BRCA2 DNA repair associated; plus strand). Cytogenetic location: 13q13.1.
Variant type: single nucleotide variant.
Coding change: c.4978C>T on transcript NM_000059.4 (MANE Select); coding-DNA position 4978, C replaced by T.
Protein change: p.Pro1660Ser; replaces proline 1660 with serine.
Molecular consequence: missense variant.
Genome position (GRCh38, 1-based): chr13:32,339,333, C>T. VCF-style: chr13-32339333-C-T. GRCh37 (hg19) VCF-style: chr13-32913470-C-T.
Other names: short protein forms P1660S.
Identifiers: ClinVar variation 1405858 (VCV001405858.11), dbSNP rs2137512328, ClinGen allele CA387783854.
Genomic context (GRCh38, chr13:32,339,333, plus strand): 5'-CATGAAAATGTAGAAAAAGAAACAGCAAAAAGTCCTGCAACTTGTTACACAAATCAGTCC[C>T]CTTATTCAGTCATTGAAAATTCAGCCTTAGCTTTTTACACAAGTTGTAGTAGAAAAACTT-3'
Protein context (NP_000050.3, residues 1650-1670): SPATCYTNQS[Pro1660Ser]YSVIENSALA

ClinVar aggregate classification (germline): Conflicting classifications of pathogenicity. Review status: criteria provided, conflicting classifications (1 of 4 stars). 3 submissions from 3 submitters: Uncertain significance (2); Likely benign (1). Last evaluated 2023-03-23.

Conditions:
Hereditary breast ovarian cancer syndrome. Also called: Hereditary breast and ovarian cancer syndrome; BRCA1- and BRCA2-Associated Hereditary Breast and Ovarian Cancer; Breast and ovarian cancer; Hereditary breast and/or ovarian cancer syndrome; Hereditary breast and ovarian cancer syndrome (HBOC); Hereditary breast and ovarian cancer. Identifiers: Orphanet 145, MedGen C0677776, MeSH D061325, MONDO:0003582. Disease mechanism: loss of function.
Hereditary cancer-predisposing syndrome. Also called: Hereditary neoplastic syndrome; Hereditary Cancer Syndrome; Neoplastic Syndromes, Hereditary; Tumor predisposition. Identifiers: Orphanet 140162, MedGen C0027672, MeSH D009386, MONDO:0015356.

Allele frequency attached by ClinVar (database versions not stated): gnomAD exomes below 0.00001.
gnomAD v4.1: 3 of 1,593,240 alleles (0.00019%); highest among the groups gnomAD compares: South Asian, 0.0012%; no homozygotes.

Submissions (3):

University of Washington Department of Laboratory Medicine, University of Washington
Classification: Likely benign for Hereditary cancer-predisposing syndrome. Last evaluated: 2023-03-23. Review status: criteria provided, single submitter. Criteria: Dines et al. (Genet Med. 2020). Collection method: curation. Allele origin: germline.
Comment: Missense variant in a coldspot region where missense variants are very unlikely to be pathogenic (PMID:31911673).

BRCA2 exon 11 coldspot. Reclassification based on statistical prior probability.

GeneDx
Classification: Uncertain significance. Last evaluated: 2022-01-10. Review status: criteria provided, single submitter. Criteria: GeneDx Variant Classification Process June 2021. Collection method: clinical testing. Allele origin: germline. Affected: yes.
Comment: Not observed at significant frequency in large population cohorts (gnomAD); In silico analysis supports that this missense variant does not alter protein structure/function; Also known as 5206C>T; This variant is associated with the following publications: (PMID: 17503080)

Labcorp Genetics (formerly Invitae), Labcorp
Classification: Uncertain significance for Hereditary breast ovarian cancer syndrome. Last evaluated: 2021-05-03. Review status: criteria provided, single submitter. Criteria: Invitae Variant Classification Sherloc (09022015). Collection method: clinical testing. Allele origin: germline.
Comment: In summary, the available evidence is currently insufficient to determine the role of this variant in disease. Therefore, it has been classified as a Variant of Uncertain Significance. Advanced modeling of protein sequence and biophysical properties (such as structural, functional, and spatial information, amino acid conservation, physicochemical variation, residue mobility, and thermodynamic stability) performed at Invitae indicates that this missense variant is not expected to disrupt BRCA2 protein function. This variant has been observed in individual(s) with clinical features of hereditary breast and ovarian cancer syndrome (PMID: 17503080). This variant is not present in population databases (ExAC no frequency). This sequence change replaces proline with serine at codon 1660 of the BRCA2 protein (p.Pro1660Ser). The proline residue is weakly conserved and there is a moderate physicochemical difference between proline and serine.

Literature cited by the submitters: PubMed 17503080 (cited by Labcorp Genetics (formerly Invitae), Labcorp).